The following is an entry in ClinVar:

NM_014629.4(ARHGEF10):c.942G>T (p.Arg314Ser)

Gene: ARHGEF10 (Rho guanine nucleotide exchange factor 10; plus strand). Cytogenetic location: 8p23.3.
Variant type: single nucleotide variant.
Coding change: c.942G>T on transcript NM_014629.4 (MANE Select); coding-DNA position 942, G replaced by T.
Protein change: p.Arg314Ser; replaces arginine 314 with serine.
Molecular consequence: missense variant. On other transcripts: intron variant (4).
Genome position (GRCh38, 1-based): chr8:1,880,146, G>T. VCF-style: chr8-1880146-G-T. GRCh37 (hg19) VCF-style: chr8-1828312-G-T.
Other names: c.945G>T, p.Arg315Ser (NM_001308153.3, NM_001438091.1); c.847-2489G>T (NM_001438092.1, NM_001308152.2, NM_001438094.1); c.844-2489G>T (NM_001438093.1); short protein forms R314S, R339S, R315S.
Identifiers: ClinVar variation 4691066 (VCV004691066.1).

ClinVar aggregate classification (germline): Uncertain significance (1 of 4 stars; one submission).

gnomAD v4.1: 6 of 1,613,566 alleles (0.00037%); highest among the groups gnomAD compares: African/African-American, 0.008%; no homozygotes.

Submission:

Labcorp Genetics (formerly Invitae), Labcorp
Classification: Uncertain significance. Last evaluated: 2025-02-13. Review status: criteria provided, single submitter. Criteria: Invitae Variant Classification Sherloc (09022015). Collection method: clinical testing. Allele origin: germline.
Comment: This sequence change replaces arginine, which is basic and polar, with serine, which is neutral and polar, at codon 314 of the ARHGEF10 protein (p.Arg314Ser). This variant is present in population databases (no rsID available, gnomAD 0.01%). This variant has not been reported in the literature in individuals affected with ARHGEF10-related conditions. An algorithm developed to predict the effect of missense changes on protein structure and function (PolyPhen-2) suggests that this variant is likely to be tolerated. In summary, the available evidence is currently insufficient to determine the role of this variant in disease. Therefore, it has been classified as a Variant of Uncertain Significance.